The following is an entry in ClinVar:

NM_152701.5(ABCA13):c.4559_4560del (p.Arg1520fs)

Gene: ABCA13 (ATP binding cassette subfamily A member 13; plus strand). Cytogenetic location: 7p12.3.
Variant type: Microsatellite.
Coding change: c.4559_4560del on transcript NM_152701.5 (MANE Select); coding-DNA positions 4559 to 4560, 2 bases deleted (GA; older notation c.4559_4560delGA).
Protein change: p.Arg1520fs; shifts the reading frame from arginine 1520.
Molecular consequence: frameshift variant.
Genome position (GRCh38, 1-based): chr7:48,274,225-48,274,226, GA deleted; deleting any 2 consecutive bases within chr7:48,274,223-48,274,226 gives the same sequence; the c. name uses the placement nearest the transcript's 3' end. VCF-style (leftmost placement, unchanged base first): chr7-48274222-GGA-G. GRCh37 (hg19) VCF-style: chr7-48313819-GGA-G.
Other names: short protein forms R1520fs.
Identifiers: ClinVar variation 4990563 (VCV004990563.1).

ClinVar aggregate classification (germline): Uncertain significance (1 of 4 stars; one submission).

Conditions:
ABCA13-related disorder. Also called: ABCA13-related condition.

Submission:

PreventionGenetics, part of Exact Sciences
Classification: Uncertain significance for ABCA13-related condition. Last evaluated: 2026-08-26. Review status: criteria provided, single submitter. Criteria: ACMG Guidelines, 2015. Collection method: clinical testing. Allele origin: germline.
Comment: The ABCA13 c.4559_4560delGA variant is predicted to result in a frameshift and premature protein termination (p.Arg1520Ilefs*4). To our knowledge, this variant has not been reported in the literature or in a large population database (gnomAD), indicating this variant is rare. Loss of function is not an established mechanism of ABCA13-related disease. At this time, the clinical significance of this variant is uncertain due to the absence of conclusive functional and genetic evidence.